The following is an entry in ClinVar:

NM_021806.4(FAM3A):c.409A>G (p.Ile137Val)

Gene: FAM3A (FAM3 metabolism regulating signaling molecule A; minus strand). Cytogenetic location: Xq28.
Variant type: single nucleotide variant.
Coding change: c.409A>G on transcript NM_021806.4 (MANE Select); coding-DNA position 409, A replaced by G.
Protein change: p.Ile137Val; replaces isoleucine 137 with valine.
Molecular consequence: missense variant.
Genome position (GRCh38, 1-based): chrX:154,507,467, T>C on the plus strand (A>G on the coding strand, the complement: FAM3A is on the minus strand). VCF-style: chrX-154507467-T-C. GRCh37 (hg19) VCF-style: chrX-153735798-T-C.
Other names: c.409A>G, p.Ile137Val (NM_001171132.3, NM_001282312.2); c.295A>G, p.Ile99Val (NM_001171133.3); c.358A>G, p.Ile120Val (NM_001171134.3); c.451A>G, p.Ile151Val (NM_001282311.2); c.430A>G, p.Ile144Val (NM_001363822.2); short protein forms I137V, I120V, I144V, I151V, I99V.
Identifiers: ClinVar variation 2351164 (VCV002351164.26), dbSNP rs782258617, ClinGen allele CA10565777.

ClinVar aggregate classification (germline): Conflicting classifications of pathogenicity. Review status: criteria provided, conflicting classifications (1 of 4 stars). 2 submissions from 2 submitters: Uncertain significance (1); Likely benign (1). Last evaluated 2023-03-01.

Allele frequency attached by ClinVar (database versions not stated): gnomAD 0.00001; gnomAD exomes 0.00004; TOPMed 0.00004; ExAC 0.00006.
gnomAD v4.1: 51 of 1,209,224 alleles (0.0042%); highest among the groups gnomAD compares: Middle Eastern, 0.12%; no homozygotes.

Submissions (2):

CeGaT Center for Human Genetics Tuebingen
Classification: Likely benign. Last evaluated: 2023-03-01. Review status: criteria provided, single submitter. Criteria: CeGaT Center For Human Genetics Tuebingen Variant Classification Criteria Version 2. Collection method: clinical testing. Allele origin: germline. Affected: yes. Observed: 1 variant allele.
Comment: FAM3A: BS2

Ambry Genetics
Classification: Uncertain significance. Last evaluated: 2022-04-07. Review status: criteria provided, single submitter. Criteria: Ambry Variant Classification Scheme 2023. Collection method: clinical testing. Allele origin: germline.